The following is an entry in ClinVar:

ClinVar aggregate classification (germline): Uncertain significance. Review status: criteria provided, multiple submitters, no conflicts (2 of 4 stars). 3 submissions from 3 submitters: Uncertain significance (3). Last evaluated 2022-05-15.

Conditions:
Retinitis pigmentosa 1 (RP1). Identifiers: Orphanet 791, MedGen C0220701, MONDO:0008377, OMIM 180100.

Allele frequency attached by ClinVar (database versions not stated): gnomAD exomes below 0.00001; TOPMed below 0.00001; gnomAD 0.00001.
gnomAD v4.1: 2 of 1,613,902 alleles (0.00012%); highest among the groups gnomAD compares: Admixed American, 0.0033%; no homozygotes.

Submissions (3):

Labcorp Genetics (formerly Invitae), Labcorp
Classification: Uncertain significance. Last evaluated: 2022-05-15. Review status: criteria provided, single submitter. Criteria: Invitae Variant Classification Sherloc (09022015). Collection method: clinical testing. Allele origin: germline.
Comment: This sequence change replaces serine, which is neutral and polar, with asparagine, which is neutral and polar, at codon 554 of the RP1 protein (p.Ser554Asn). This variant is present in population databases (no rsID available, gnomAD 0.003%). This variant has not been reported in the literature in individuals affected with RP1-related conditions. ClinVar contains an entry for this variant (Variation ID: 1063263). Algorithms developed to predict the effect of missense changes on protein structure and function output the following: SIFT: "Tolerated"; PolyPhen-2: "Benign"; Align-GVGD: "Class C0". The asparagine amino acid residue is found in multiple mammalian species, which suggests that this missense change does not adversely affect protein function. In summary, the available evidence is currently insufficient to determine the role of this variant in disease. Therefore, it has been classified as a Variant of Uncertain Significance.

Fulgent Genetics
Classification: Uncertain significance for Retinitis pigmentosa 1. Last evaluated: 2021-11-12. Review status: criteria provided, single submitter. Criteria: ACMG Guidelines, 2015. Collection method: clinical testing. Allele origin: unknown.

Blueprint Genetics
Classification: Uncertain significance. Last evaluated: 2019-05-01. Review status: criteria provided, single submitter. Criteria: ACMG Guidelines, 2015. Collection method: clinical testing. Allele origin: germline.

NM_006269.2(RP1):c.1661G>A (p.Ser554Asn)

Gene: RP1 (RP1 axonemal microtubule associated; plus strand). Cytogenetic location: 8q12.1.
Variant type: single nucleotide variant.
Coding change: c.1661G>A on transcript NM_006269.2 (MANE Select); coding-DNA position 1661, G replaced by A.
Protein change: p.Ser554Asn; replaces serine 554 with asparagine.
Molecular consequence: missense variant. On other transcripts: intron variant (1).
Genome position (GRCh38, 1-based): chr8:54,625,543, G>A. VCF-style: chr8-54625543-G-A. GRCh37 (hg19) VCF-style: chr8-55538103-G-A.
Other names: c.787+3255G>A (NM_001375654.1); short protein forms S554N.
Identifiers: ClinVar variation 1063263 (VCV001063263.11), dbSNP rs1252073669, ClinGen allele CA370991143.